The following is an entry in ClinVar:

NM_001128840.3(CACNA1D):c.148G>C (p.Val50Leu)

Gene: CACNA1D (calcium voltage-gated channel subunit alpha1 D; plus strand). Cytogenetic location: 3p21.1.
Variant type: single nucleotide variant.
Coding change: c.148G>C on transcript NM_001128840.3 (MANE Select); coding-DNA position 148, G replaced by C.
Protein change: p.Val50Leu; replaces valine 50 with leucine.
Molecular consequence: missense variant.
Genome position (GRCh38, 1-based): chr3:53,497,232, G>C. VCF-style: chr3-53497232-G-C. GRCh37 (hg19) VCF-style: chr3-53531259-G-C.
Other names: c.148G>C, p.Val50Leu (NM_000720.4, NM_001128839.3); short protein forms V50L.
Identifiers: ClinVar variation 2960489 (VCV002960489.3), dbSNP rs888119455, ClinGen allele CA75053228.

ClinVar aggregate classification (germline): Uncertain significance (1 of 4 stars; one submission).

Allele frequency attached by ClinVar (database versions not stated): TOPMed 0.00002.

Submission:

Labcorp Genetics (formerly Invitae), Labcorp
Classification: Uncertain significance. Last evaluated: 2023-06-22. Review status: criteria provided, single submitter. Criteria: Invitae Variant Classification Sherloc (09022015). Collection method: clinical testing. Allele origin: germline.
Comment: In summary, the available evidence is currently insufficient to determine the role of this variant in disease. Therefore, it has been classified as a Variant of Uncertain Significance. An algorithm developed to predict the effect of missense changes on protein structure and function (PolyPhen-2) suggests that this variant is likely to be tolerated. This variant has not been reported in the literature in individuals affected with CACNA1D-related conditions. This variant is not present in population databases (gnomAD no frequency). This sequence change replaces valine, which is neutral and non-polar, with leucine, which is neutral and non-polar, at codon 50 of the CACNA1D protein (p.Val50Leu).